The following is an entry in ClinVar:

NM_001368894.2(PAX6):c.862C>T (p.Gln288Ter)

Gene: PAX6 (paired box 6; minus strand). Cytogenetic location: 11p13.
Variant type: single nucleotide variant.
Coding change: c.862C>T on transcript NM_001368894.2 (MANE Select); coding-DNA position 862, C replaced by T.
Protein change: p.Gln288Ter; replaces glutamine 288 with a stop codon.
Molecular consequence: nonsense. On other transcripts: non-coding transcript variant (2).
Genome position (GRCh38, 1-based): chr11:31,793,748, G>A on the plus strand (C>T on the coding strand, the complement: PAX6 is on the minus strand). VCF-style: chr11-31793748-G-A. GRCh37 (hg19) VCF-style: chr11-31815296-G-A.
Other names: c.820C>T, p.Gln274Ter (NM_000280.6, NM_001127612.3, NM_001258464.2 and 10 more transcripts); c.862C>T, p.Gln288Ter (NM_001258462.3, NM_001258463.2, NM_001310158.2 and 6 more transcripts); c.412C>T, p.Gln138Ter (NM_001310160.2, NM_001310161.3, NM_001368899.2 and 11 more transcripts); c.1063C>T, p.Gln355Ter (NM_001368910.2); c.865C>T, p.Gln289Ter (NM_001368911.2); c.937C>T, p.Gln313Ter (NM_001368918.2, NM_001368919.2); c.895C>T, p.Gln299Ter (NM_001368920.2); c.661C>T, p.Gln221Ter (NM_001368921.2, NM_001368922.2, NM_001368923.2 and 4 more transcripts); and 2 more; short protein forms Q274*, Q355*, Q207*, Q73*, Q138*, Q288*, Q289*, Q313*.
Identifiers: ClinVar variation 492995 (VCV000492995.10), dbSNP rs1554983229, ClinGen allele CA379956461.

ClinVar aggregate classification (germline): Pathogenic. Review status: criteria provided, multiple submitters, no conflicts (2 of 4 stars). 2 submissions from 2 submitters: Pathogenic (2). Last evaluated 2020-11-17.

Conditions:
Aniridia 1 (AN1). Identifiers: Orphanet 250923, MedGen C0344542, MONDO:0024507, OMIM 106210.
Irido-corneo-trabecular dysgenesis (ASGD5). Also called: ANTERIOR SEGMENT DYSGENESIS 5. Identifiers: Orphanet 708, MedGen C0344559, MONDO:0011414, OMIM 604229, HP:0000659.

Submissions (2):

Labcorp Genetics (formerly Invitae), Labcorp
Classification: Pathogenic for Aniridia 1; Irido-corneo-trabecular dysgenesis. Last evaluated: 2020-11-17. Review status: criteria provided, single submitter. Criteria: Invitae Variant Classification Sherloc (09022015). Collection method: clinical testing. Allele origin: germline.
Comment: This variant has been observed in individual(s) with aniridia (PMID: 29618921). ClinVar contains an entry for this variant (Variation ID: 492995). This variant is not present in population databases (ExAC no frequency). This sequence change creates a premature translational stop signal (p.Gln274*) in the PAX6 gene. It is expected to result in an absent or disrupted protein product. Loss-of-function variants in PAX6 are known to be pathogenic (PMID: 12634864). For these reasons, this variant has been classified as Pathogenic.

Genetics and Molecular Pathology, SA Pathology
Classification: Pathogenic for Aniridia 1. Last evaluated: 2017-08-02. Review status: criteria provided, single submitter. Criteria: ACMG Guidelines, 2015. Collection method: clinical testing. Allele origin: unknown. Inheritance: Autosomal dominant inheritance. Affected: yes. Observed: 1 variant allele, 1 heterozygote. Study: ANZRAG.

Literature cited by the submitters: PubMed 29618921 (cited by Labcorp Genetics (formerly Invitae), Labcorp); PubMed 12634864 (cited by Labcorp Genetics (formerly Invitae), Labcorp).